The following is an entry in ClinVar:

NM_000059.4(BRCA2):c.5250del (p.Tyr1751fs)

Gene: BRCA2 (BRCA2 DNA repair associated; plus strand). Cytogenetic location: 13q13.1.
Variant type: Deletion.
Coding change: c.5250del on transcript NM_000059.4 (MANE Select); coding-DNA position 5250, one base deleted (C; older notation c.5250delC).
Protein change: p.Tyr1751fs; shifts the reading frame from tyrosine 1751.
Molecular consequence: frameshift variant.
Genome position (GRCh38, 1-based): chr13:32,339,605, C deleted; the last of 2 consecutive C bases (chr13:32,339,604-32,339,605); deleting either gives the same sequence. VCF-style (leftmost placement, unchanged base first): chr13-32339603-TC-T. GRCh37 (hg19) VCF-style: chr13-32913740-TC-T.
Other names: c.5250delC (NM_000059.3); short protein forms Y1751fs.
Identifiers: ClinVar variation 51829 (VCV000051829.3), dbSNP rs397507776, ClinGen allele CA021855.

ClinVar aggregate classification (germline): Pathogenic. Review status: reviewed by expert panel (3 of 4 stars). 2 submissions from 2 submitters: Pathogenic (1). 1 of the submissions does not count toward it. Last evaluated 2017-12-15.

Conditions:
Familial cancer of breast. Also called: BREAST CANCER, FAMILIAL; Hereditary breast cancer; hereditary breast carcinoma. Identifiers: Orphanet 227535, MedGen C0346153, MONDO:0016419, OMIM 114480. Disease mechanism: loss of function.
Breast-ovarian cancer, familial, susceptibility to, 2 (BROVCA2). Also called: BRCA2 Hereditary Breast and Ovarian Cancer. Identifiers: Orphanet 145, MedGen C2675520, MONDO:0012933, OMIM 612555. Disease mechanism: loss of function.

Submissions (2):

Evidence-based Network for the Interpretation of Germline Mutant Alleles (ENIGMA)
Classification: Pathogenic for Breast-ovarian cancer, familial, susceptibility to, 2. Last evaluated: 2017-12-15. Review status: reviewed by expert panel. Criteria: ENIGMA BRCA1/2 Classification Criteria (2017-06-29). Collection method: curation. Allele origin: germline. Study: ENIGMA.
Comment: Variant allele predicted to encode a truncated non-functional protein.

ClinVar Staff, National Center for Biotechnology Information (NCBI)
No classification provided. Condition: Familial cancer of breast. Review status: no classification provided. Collection method: literature only. Allele origin: germline. Affected: yes. Not counted in ClinVar's aggregate classification.

Literature cited by the submitters: PubMed 22798144 (cited by ClinVar Staff, National Center for Biotechnology Information (NCBI)).